The following is an entry in ClinVar:

NM_025074.7(FRAS1):c.4685C>A (p.Pro1562Gln)

Gene: FRAS1 (Fraser extracellular matrix complex subunit 1; plus strand). Cytogenetic location: 4q21.21.
Variant type: single nucleotide variant.
Coding change: c.4685C>A on transcript NM_025074.7 (MANE Select); coding-DNA position 4685, C replaced by A.
Protein change: p.Pro1562Gln; replaces proline 1562 with glutamine.
Molecular consequence: missense variant.
Genome position (GRCh38, 1-based): chr4:78,424,394, C>A. VCF-style: chr4-78424394-C-A. GRCh37 (hg19) VCF-style: chr4-79345548-C-A.
Other names: c.4685C>A, p.Pro1562Gln (NM_001166133.2); c.4685C>A (NM_025074.6); short protein forms P1562Q.
Identifiers: ClinVar variation 1979692 (VCV001979692.2), dbSNP rs945154920, ClinGen allele CA99953621.

ClinVar aggregate classification (germline): Uncertain significance. Review status: criteria provided, multiple submitters, no conflicts (2 of 4 stars). 2 submissions from 2 submitters: Uncertain significance (2). Last evaluated 2024-01-16.

Conditions:
Inborn genetic diseases. Identifiers: MedGen C0950123, MeSH D030342.

Allele frequency attached by ClinVar (database versions not stated): TOPMed 0.00006; gnomAD 0.00009; gnomAD exomes 0.00012.
gnomAD v4.1: 169 of 1,466,978 alleles (0.012%); highest among the groups gnomAD compares: Non-Finnish European, 0.014%; no homozygotes.

Submissions (2):

Ambry Genetics
Classification: Uncertain significance for Inborn genetic diseases. Last evaluated: 2024-01-16. Review status: criteria provided, single submitter. Criteria: Ambry Variant Classification Scheme 2023. Collection method: clinical testing. Allele origin: germline.

Labcorp Genetics (formerly Invitae), Labcorp
Classification: Uncertain significance. Last evaluated: 2022-06-05. Review status: criteria provided, single submitter. Criteria: Invitae Variant Classification Sherloc (09022015). Collection method: clinical testing. Allele origin: germline.
Comment: This sequence change replaces proline, which is neutral and non-polar, with glutamine, which is neutral and polar, at codon 1562 of the FRAS1 protein (p.Pro1562Gln). The frequency data for this variant in the population databases is considered unreliable, as metrics indicate poor data quality at this position in the gnomAD database. This variant has not been reported in the literature in individuals affected with FRAS1-related conditions. Algorithms developed to predict the effect of missense changes on protein structure and function are either unavailable or do not agree on the potential impact of this missense change (SIFT: "Deleterious"; PolyPhen-2: "Possibly Damaging"; Align-GVGD: "Class C0"). In summary, the available evidence is currently insufficient to determine the role of this variant in disease. Therefore, it has been classified as a Variant of Uncertain Significance.